The following is an entry in ClinVar:

NM_004108.3(FCN2):c.337C>T (p.His113Tyr)

Gene: FCN2 (ficolin 2; plus strand). Cytogenetic location: 9q34.3.
Variant type: single nucleotide variant.
Coding change: c.337C>T on transcript NM_004108.3 (MANE Select); coding-DNA position 337, C replaced by T.
Protein change: p.His113Tyr; replaces histidine 113 with tyrosine.
Molecular consequence: missense variant.
Genome position (GRCh38, 1-based): chr9:134,885,274, C>T. VCF-style: chr9-134885274-C-T. GRCh37 (hg19) VCF-style: chr9-137777120-C-T.
Other names: c.223C>T, p.His75Tyr (NM_015837.3); short protein forms H113Y, H75Y.
Identifiers: ClinVar variation 2659704 (VCV002659704.25), dbSNP rs17549179, ClinGen allele CA5321135.

ClinVar aggregate classification (germline): Likely benign. Review status: criteria provided, multiple submitters, no conflicts (2 of 4 stars). 2 submissions from 2 submitters: Likely benign (2). Last evaluated 2024-11-26.

Allele frequency attached by ClinVar (database versions not stated): 1000 Genomes Project 30x 0.00109; 1000 Genomes Project 0.00120; TOPMed 0.00301; ESP Exome Variant Server 0.00369; gnomAD 0.00372; ExAC 0.00373; gnomAD exomes 0.00513.

Submissions (2):

Blueprint Genetics
Classification: Likely benign. Last evaluated: 2024-11-26. Review status: criteria provided, single submitter. Criteria: ACMG Guidelines, 2015. Collection method: clinical testing. Allele origin: germline.

CeGaT Center for Human Genetics Tuebingen
Classification: Likely benign. Last evaluated: 2023-07-01. Review status: criteria provided, single submitter. Criteria: CeGaT Center For Human Genetics Tuebingen Variant Classification Criteria Version 2. Collection method: clinical testing. Allele origin: germline. Affected: yes. Observed: 1 variant allele.
Comment: FCN2: BP4